The following is an entry in ClinVar:

ClinVar aggregate classification (germline): Pathogenic/Likely pathogenic. Review status: criteria provided, multiple submitters, no conflicts (2 of 4 stars). 6 submissions from 6 submitters: Pathogenic (2); Likely pathogenic (2). 2 of the submissions do not count toward it. Last evaluated 2026-01-21.

Conditions:
Usher syndrome type 3A (USH3A). Also called: USHER SYNDROME, TYPE IIIA. Identifiers: MedGen C5779850, MONDO:0010170, OMIM 276902.
Retinitis pigmentosa 61 (RP61). Identifiers: Orphanet 791, MedGen C3280041, MONDO:0013610, OMIM 614180.
Usher syndrome type 3. Also called: Usher Syndrome, Type III. Identifiers: Orphanet 231183, MedGen C1568248, MONDO:0016485.

Submissions (6):

Labcorp Genetics (formerly Invitae), Labcorp
Classification: Pathogenic. Last evaluated: 2026-01-21. Review status: criteria provided, single submitter. Criteria: Invitae Variant Classification Sherloc (09022015). Collection method: clinical testing. Allele origin: germline.
Comment: This sequence change creates a premature translational stop signal (p.Gln181*) in the CLRN1 gene. While this is not anticipated to result in nonsense mediated decay, it is expected to disrupt the last 52 amino acid(s) of the CLRN1 protein. This variant is not present in population databases (gnomAD no frequency). This variant has not been reported in the literature in individuals affected with CLRN1-related conditions. ClinVar contains an entry for this variant (Variation ID: 552163). Algorithms developed to predict the effect of sequence changes on RNA splicing suggest that this variant may create or strengthen a splice site. This variant disrupts a region of the CLRN1 protein in which other variant(s) (p.Arg207*) have been determined to be pathogenic (PMID: 22952768, 23304067, 26338283). This suggests that this is a clinically significant region of the protein, and that variants that disrupt it are likely to be disease-causing. For these reasons, this variant has been classified as Pathogenic.

Natera, Inc.
Classification: Likely pathogenic for Usher syndrome type 3. Last evaluated: 2025-07-15. Review status: criteria provided, single submitter. Criteria: Natera Variant Classification Schema (03/2026). Collection method: clinical testing. Allele origin: germline.
Comment: The c.541C>T variant in CLRN1 is a nonsense variant predicted to introduce a stop codon at amino acid 181. This variant is expected to result in nonsense mediated decay, truncation, or a dysfunctional protein product. This variant is rare in the general population with a frequency below the threshold expected for the associated phenotype(s). This variant has been observed in one or more individuals affected with the associated recessive disease, as either homozygous or compound heterozygous with a second variant (PMID: 33089500). Given the available evidence, this variant is classified as Likely Pathogenic.

Fulgent Genetics
Classification: Likely pathogenic for Usher syndrome type 3A; Retinitis pigmentosa 61. Last evaluated: 2024-05-28. Review status: criteria provided, single submitter. Criteria: ACMG Guidelines, 2015. Collection method: clinical testing. Allele origin: germline.

Baylor Genetics
Classification: Pathogenic for Retinitis pigmentosa 61. Last evaluated: 2023-04-04. Review status: criteria provided, single submitter. Criteria: ACMG Guidelines, 2015. Collection method: clinical testing. Allele origin: unknown.

National Institute on Deafness and Communication Disorders, National Institutes of Health
Classification: Pathogenic for Usher syndrome type 3A. Last evaluated: 2019-12-10. Review status: no assertion criteria provided. Collection method: research. Allele origin: germline. Affected: yes. Observed: 1 compound heterozygote. Segregation with disease observed. Not counted in ClinVar's aggregate classification.

Counsyl
Classification: Likely pathogenic for Usher syndrome type 3A. Last evaluated: 2017-05-24. Review status: no assertion criteria provided. Collection method: clinical testing. Allele origin: unknown. Not counted in ClinVar's aggregate classification.

Literature cited by the submitters: PubMed 22952768 (cited by Labcorp Genetics (formerly Invitae), Labcorp); PubMed 23304067 (cited by Labcorp Genetics (formerly Invitae), Labcorp); PubMed 26338283 (cited by Labcorp Genetics (formerly Invitae), Labcorp); PubMed 33089500 (cited by Natera, Inc.).

NM_174878.3(CLRN1):c.541C>T (p.Gln181Ter)

Gene: CLRN1 (clarin 1; minus strand). Cytogenetic location: 3q25.1.
Variant type: single nucleotide variant.
Coding change: c.541C>T on transcript NM_174878.3 (MANE Select); coding-DNA position 541, C replaced by T.
Protein change: p.Gln181Ter; replaces glutamine 181 with a stop codon.
Molecular consequence: nonsense. On other transcripts: 3 prime UTR variant (1), non-coding transcript variant (1).
Genome position (GRCh38, 1-based): chr3:150,928,094, G>A on the plus strand (C>T on the coding strand, the complement: CLRN1 is on the minus strand). VCF-style: chr3-150928094-G-A. GRCh37 (hg19) VCF-style: chr3-150645881-G-A.
Other names: c.580C>T, p.Gln194Ter (NM_001195794.1); c.*155C>T (NM_001256819.2); c.313C>T, p.Gln105Ter (NM_052995.2); short protein forms Q194*, Q181*, Q105*.
Identifiers: ClinVar variation 552163 (VCV000552163.7), dbSNP rs376155416, ClinGen allele CA354953098.
Genomic context (GRCh38, chr3:150,928,094, plus strand): 5'-GAAAATGAACAAAAAAGCAAAAGAAAATGACCCAGAATGAGGTGGTATATTTTTCACTTT[G>A]CGTTTTGTAGACATAAGTCCCTTCTTTATAATTTGCAATTTTTTCTGAGAGGTGATGGAT-3'